The following is an entry in ClinVar:

ClinVar aggregate classification (germline): Likely benign (1 of 4 stars; one submission).

Conditions:
Colorectal cancer, hereditary nonpolyposis, type 7. Identifiers: Orphanet 144, MedGen C1858380, MONDO:0013725, OMIM 614385.

Allele frequency attached by ClinVar (database versions not stated): gnomAD exomes 0.00031; gnomAD 0.00409 and 0.00427; TOPMed 0.00428; 1000 Genomes Project 0.00459; 1000 Genomes Project 30x 0.00547.

Submission:

Illumina Laboratory Services, Illumina
Classification: Likely benign for Colorectal cancer, hereditary nonpolyposis, type 7. Last evaluated: 2018-01-13. Review status: criteria provided, single submitter. Criteria: ICSL Variant Classification Criteria 13 December 2019. Collection method: clinical testing. Allele origin: germline.
Comment: This variant was observed in the ICSL laboratory as part of a predisposition screen in an ostensibly healthy population. It had not been previously curated by ICSL or reported in the Human Gene Mutation Database (HGMD: prior to June 1st, 2018), and was therefore a candidate for classification through an automated scoring system. Utilizing variant allele frequency, disease prevalence and penetrance estimates, and inheritance mode, an automated score was calculated to assess if this variant is too frequent to cause the disease. Based on the score and internal cut-off values, a variant classified as likely benign is not then subjected to further curation. The score for this variant resulted in a classification of likely benign for this disease.

NM_001040108.2(MLH3):c.*1767G>A

Gene: MLH3 (mutL homolog 3; minus strand). Cytogenetic location: 14q24.3.
Variant type: single nucleotide variant.
Coding change: c.*1767G>A on transcript NM_001040108.2 (MANE Select); 1767 bases downstream of the stop codon, G replaced by A.
Molecular consequence: 3 prime UTR variant.
Genome position (GRCh38, 1-based): chr14:75,015,315, C>T on the plus strand (G>A on the coding strand, the complement: MLH3 is on the minus strand). VCF-style: chr14-75015315-C-T. GRCh37 (hg19) VCF-style: chr14-75482018-C-T.
Other names: c.*1767G>A (NM_014381.3).
Identifiers: ClinVar variation 887125 (VCV000887125.4), dbSNP rs142559310, ClinGen allele CA263628462.